The following is an entry in ClinVar:

NM_014231.5(VAMP1):c.152dup (p.Asn51fs)

Genes: TAPBPL (TAP binding protein like; plus strand), VAMP1 (vesicle associated membrane protein 1; minus strand). Cytogenetic location: 12p13.31.
Variant type: Duplication.
Coding change: c.152dup on transcript NM_014231.5 (MANE Select); coding-DNA position 152, one base duplicated (A; older notation c.152dupA).
Protein change: p.Asn51fs; shifts the reading frame from asparagine 51.
Molecular consequence: frameshift variant. On other transcripts: non-coding transcript variant (1).
Genome position (GRCh38, 1-based): chr12:6,465,978, T duplicated on the plus strand (A on the coding strand, the reverse complement: VAMP1 is on the minus strand); the first of 2 consecutive T bases (chr12:6,465,978-6,465,979); duplicating either gives the same sequence. VCF-style (leftmost placement, unchanged base first): chr12-6465977-G-GT. GRCh37 (hg19) VCF-style: chr12-6575143-G-GT.
Other names: c.152dup, p.Asn51fs (NM_001297438.2, NM_016830.4, NM_199245.3); short protein forms N51fs.
Identifiers: ClinVar variation 2575084 (VCV002575084.1), dbSNP rs2540072817, ClinGen allele CA2580615125.
Genomic context (GRCh38, chr12:6,465,977, plus strand): 5'-GGCATCAGCTCGGTCATCCAGCTCTGACAGCTTCTGGTCCCTCTCCAGGACCTTGTCCAC[G>GT]TTCACACGTATGATGTCCACCACCTGAGGAGGGCACAGAAACAAAGCAGCTAAGCTTCCT-3'

ClinVar aggregate classification (germline): Likely pathogenic (1 of 4 stars; one submission).

Conditions:
Spastic ataxia 1. Also called: Ataxia, spastic, 1, autosomal dominant. Identifiers: Orphanet 251282, MedGen C1970107, MONDO:0007164, OMIM 108600.

Submission:

HUSP Clinical Genetics Laboratory, Hospital Universitario San Pedro De Logroño (HUSP)
Classification: Likely pathogenic for Spastic ataxia 1. Review status: criteria provided, single submitter. Criteria: ACMG Guidelines, 2015. Collection method: clinical testing. Allele origin: de novo. Inheritance: Autosomal dominant inheritance. Affected: yes. Observed: 1 variant allele.
Comment: The c.152dup variant in the exon 3 of the VAMP1 (NM_014231.5) gene results in a premature stop codon . The variant has not been reported previously in the literature and it is not detected in general population. Pathogenic variants in the VAMP1 gene have been associated with the following phenotype: Spastic ataxia 1 A (OMIM: 108600), with autosomal dominant inheritance.